The following is an entry in ClinVar:

ClinVar aggregate classification (germline): Uncertain significance. Review status: criteria provided, multiple submitters, no conflicts (2 of 4 stars). 4 submissions from 4 submitters: Uncertain significance (4). Last evaluated 2024-11-01.

Conditions:
Developmental and epileptic encephalopathy, 11 (DEE11). Also called: Early infantile epileptic encephalopathy 11. Identifiers: Orphanet 1934, MedGen C3150987, MONDO:0013388, OMIM 613721.
Seizures, benign familial infantile, 3 (BFIS3). Also called: Familial neonatal seizures; CONVULSIONS, BENIGN FAMILIAL INFANTILE, 3. Identifiers: Orphanet 140927, Orphanet 306, MedGen C1843140, MONDO:0011904, OMIM 607745.

Submissions (4):

CeGaT Center for Human Genetics Tuebingen
Classification: Uncertain significance. Last evaluated: 2024-11-01. Review status: criteria provided, single submitter. Criteria: CeGaT Center For Human Genetics Tuebingen Variant Classification Criteria Version 2. Collection method: clinical testing. Allele origin: germline. Affected: yes. Observed: 1 variant allele.
Comment: SCN2A: PM2, PM4:Supporting

Labcorp Genetics (formerly Invitae), Labcorp
Classification: Uncertain significance for Seizures, benign familial infantile, 3; Developmental and epileptic encephalopathy, 11. Last evaluated: 2024-10-13. Review status: criteria provided, single submitter. Criteria: Invitae Variant Classification Sherloc (09022015). Collection method: clinical testing. Allele origin: germline.
Comment: This variant, c.1376_1378del, results in the deletion of 1 amino acid(s) of the SCN2A protein (p.Glu459del), but otherwise preserves the integrity of the reading frame. This variant is not present in population databases (gnomAD no frequency). This variant has not been reported in the literature in individuals affected with SCN2A-related conditions. ClinVar contains an entry for this variant (Variation ID: 2001676). Experimental studies and prediction algorithms are not available or were not evaluated, and the functional significance of this variant is currently unknown. In summary, the available evidence is currently insufficient to determine the role of this variant in disease. Therefore, it has been classified as a Variant of Uncertain Significance.

GeneDx
Classification: Uncertain significance. Last evaluated: 2024-07-10. Review status: criteria provided, single submitter. Criteria: GeneDx Variant Classification Process June 2021. Collection method: clinical testing. Allele origin: germline.
Comment: In-frame deletion of 1 amino acid in a non-repeat region; Not observed at significant frequency in large population cohorts (gnomAD); In silico analysis supports a deleterious effect on protein structure/function; Has not been previously published as pathogenic or benign to our knowledge; Lost residue is predicted to be in the cytoplasmic loop between the first and second homologous domains

Blueprint Genetics
Classification: Uncertain significance. Last evaluated: 2022-12-21. Review status: criteria provided, single submitter. Criteria: ACMG Guidelines, 2015. Collection method: clinical testing. Allele origin: germline.

NM_001040142.2(SCN2A):c.1370AAG[2] (p.Glu459del)

Gene: SCN2A (sodium voltage-gated channel alpha subunit 2; plus strand). Cytogenetic location: 2q24.3.
Variant type: Microsatellite.
Coding change: c.1370AAG[2] on transcript NM_001040142.2 (MANE Select); two copies in a row of the 3-base unit AAG starting at c.1370; the reference has three copies in a row; one copy, 3 bases deleted.
Protein change: p.Glu459del; deletes glutamic acid 459.
Molecular consequence: inframe deletion.
Genome position (GRCh38, 1-based): chr2:165,314,101-165,314,103, AAG deleted; deleting any 3 consecutive bases within chr2:165,314,095-165,314,103 gives the same sequence; the position shown is the placement nearest the transcript's 3' end. VCF-style (leftmost placement, unchanged base first): chr2-165314094-CAAG-C. GRCh37 (hg19) VCF-style: chr2-166170604-CAAG-C.
Other names: c.1370AAG[2], p.Glu459del (NM_001040143.2, NM_001371246.1, NM_001371247.1 and 1 more transcripts); c.1376_1378del (NM_021007.2); short protein forms E459del.
Identifiers: ClinVar variation 2001676 (VCV002001676.20), dbSNP rs2467903194, ClinGen allele CA2580614380.
Genomic context (GRCh38, chr2:165,314,094, plus strand): 5'-GAAGAGGCTGAACAGAAGGAAGCTGAATTTCAGCAGATGCTCGAACAGTTGAAAAAGCAA[CAAG>C]AAGAAGCTCAGGTATAGTGAACAAGCATACGGTCCTTTGTTTTTCTTTATCTAAATTCTT-3'